The following is an entry in ClinVar:

NM_017934.7(PHIP):c.4739A>G (p.Glu1580Gly)

Genes: IRAK1BP1 (interleukin 1 receptor associated kinase 1 binding protein 1; plus strand), PHIP (PHIP subunit of CUL4-Ring ligase complex; minus strand). Cytogenetic location: 6q14.1.
Variant type: single nucleotide variant.
Coding change: c.4739A>G on transcript NM_017934.7 (MANE Select); coding-DNA position 4739, A replaced by G.
Protein change: p.Glu1580Gly; replaces glutamic acid 1580 with glycine.
Molecular consequence: missense variant.
Genome position (GRCh38, 1-based): chr6:78,945,389, T>C on the plus strand (A>G on the coding strand, the complement: PHIP is on the minus strand). VCF-style: chr6-78945389-T-C. GRCh37 (hg19) VCF-style: chr6-79655106-T-C.
Other names: short protein forms E1580G.
Identifiers: ClinVar variation 4983389 (VCV004983389.1).

ClinVar aggregate classification (germline): Uncertain significance (1 of 4 stars; one submission).

Conditions:
PHIP-related disorder. Also called: PHIP-related condition; PHIP-related disorders.

Submission:

PreventionGenetics, part of Exact Sciences
Classification: Uncertain significance for PHIP-related condition. Last evaluated: 2025-03-30. Review status: criteria provided, single submitter. Criteria: ACMG Guidelines, 2015. Collection method: clinical testing. Allele origin: germline.
Comment: The PHIP c.4739A>G variant is predicted to result in the amino acid substitution p.Glu1580Gly. To our knowledge, this variant has not been reported in the literature or in a large population database (gnomAD), indicating this variant is rare. At this time, the clinical significance of this variant is uncertain due to the absence of conclusive functional and genetic evidence.